The following is an entry in ClinVar:

NM_003873.7(NRP1):c.1799T>C (p.Val600Ala)

Gene: NRP1 (neuropilin 1; minus strand). Cytogenetic location: 10p11.22.
Variant type: single nucleotide variant.
Coding change: c.1799T>C on transcript NM_003873.7 (MANE Select); coding-DNA position 1799, T replaced by C.
Protein change: p.Val600Ala; replaces valine 600 with alanine.
Molecular consequence: missense variant. On other transcripts: non-coding transcript variant (1), intron variant (1).
Genome position (GRCh38, 1-based): chr10:33,202,956, A>G on the plus strand (T>C on the coding strand, the complement: NRP1 is on the minus strand). VCF-style: chr10-33202956-A-G. GRCh37 (hg19) VCF-style: chr10-33491884-A-G.
Other names: c.1799T>C, p.Val600Ala (NM_001024628.3, NM_001244972.2, NM_001244973.2 and 1 more transcripts); c.1759+4616T>C (NM_001024629.3); short protein forms V600A.
Identifiers: ClinVar variation 3881079 (VCV003881079.2).

ClinVar aggregate classification (germline): Uncertain significance. Review status: criteria provided, multiple submitters, no conflicts (2 of 4 stars). 2 submissions from 2 submitters: Uncertain significance (2). Last evaluated 2025-12-08.

Conditions:
NRP1-related disorder. Also called: NRP1-related condition.

gnomAD v4.1: 27 of 1,614,192 alleles (0.0017%); highest among the groups gnomAD compares: African/African-American, 0.027%; no homozygotes.

Submissions (2):

PreventionGenetics, part of Exact Sciences
Classification: Uncertain significance for NRP1-related condition. Last evaluated: 2025-12-08. Review status: criteria provided, single submitter. Criteria: ACMG Guidelines, 2015. Collection method: clinical testing. Allele origin: germline.
Comment: The NRP1 c.1799T>C variant is predicted to result in the amino acid substitution p.Val600Ala. To our knowledge, this variant has not been reported in the literature. This variant is reported in 0.032% of alleles in individuals of African descent in gnomAD. At this time, the clinical significance of this variant is uncertain due to the absence of conclusive functional and genetic evidence.

Ambry Genetics
Classification: Uncertain significance. Last evaluated: 2024-12-25. Review status: criteria provided, single submitter. Criteria: Ambry Variant Classification Scheme 2023. Collection method: clinical testing. Allele origin: germline.